The following is an entry in ClinVar:

ClinVar aggregate classification (germline): Uncertain significance. Review status: criteria provided, multiple submitters, no conflicts (2 of 4 stars). 2 submissions from 2 submitters: Uncertain significance (2). Last evaluated 2026-02-19.

Conditions:
Gorlin syndrome. Also called: Basal cell nevus syndrome; Nevoid Basal Cell Carcinoma Syndrome. Identifiers: Orphanet 377, MedGen C0004779, MONDO:0007187.
Hereditary cancer-predisposing syndrome. Also called: Hereditary neoplastic syndrome; Tumor predisposition; Neoplastic Syndromes, Hereditary; Hereditary Cancer Syndrome. Identifiers: Orphanet 140162, MedGen C0027672, MeSH D009386, MONDO:0015356.

Allele frequency attached by ClinVar (database versions not stated): gnomAD exomes below 0.00001.
gnomAD v4.1: 1 of 1,614,188 alleles (0.000062%); highest among the groups gnomAD compares: Non-Finnish European, 0.000085%; no homozygotes.

Submissions (2):

Ambry Genetics
Classification: Uncertain significance for Hereditary cancer-predisposing syndrome. Last evaluated: 2026-02-19. Review status: criteria provided, single submitter. Criteria: Ambry Variant Classification Scheme 2023. Collection method: clinical testing. Allele origin: germline.
Comment: The p.P896L variant (also known as c.2687C>T), located in coding exon 16 of the PTCH1 gene, results from a C to T substitution at nucleotide position 2687. The proline at codon 896 is replaced by leucine, an amino acid with similar properties. This variant was reported in individual(s) with features consistent with PTCH1-related nevoid basal cell carcinoma syndrome (Fu F et al. Genome Med, 2022 Oct;14:123). This amino acid position is highly conserved in available vertebrate species. In addition, this alteration is predicted to be deleterious by in silico analysis. Based on the available evidence, the clinical significance of this variant remains unclear.

Labcorp Genetics (formerly Invitae), Labcorp
Classification: Uncertain significance for Gorlin syndrome. Last evaluated: 2024-01-31. Review status: criteria provided, single submitter. Criteria: Invitae Variant Classification Sherloc (09022015). Collection method: clinical testing. Allele origin: germline.
Comment: This sequence change replaces proline, which is neutral and non-polar, with leucine, which is neutral and non-polar, at codon 896 of the PTCH1 protein (p.Pro896Leu). This variant is not present in population databases (gnomAD no frequency). This missense change has been observed in individual(s) with clinical features of basal cell nevus syndrome (PMID: 36140791, 36307859). ClinVar contains an entry for this variant (Variation ID: 1389411). Advanced modeling of protein sequence and biophysical properties (such as structural, functional, and spatial information, amino acid conservation, physicochemical variation, residue mobility, and thermodynamic stability) has been performed at Invitae for this missense variant, however the output from this modeling did not meet the statistical confidence thresholds required to predict the impact of this variant on PTCH1 protein function. In summary, the available evidence is currently insufficient to determine the role of this variant in disease. Therefore, it has been classified as a Variant of Uncertain Significance.

Literature cited by the submitters: PubMed 36307859 (cited by Ambry Genetics and Labcorp Genetics (formerly Invitae), Labcorp); PubMed 36140791 (cited by Labcorp Genetics (formerly Invitae), Labcorp).

NM_000264.5(PTCH1):c.2687C>T (p.Pro896Leu)

Gene: PTCH1 (patched 1; minus strand). Cytogenetic location: 9q22.32.
Variant type: single nucleotide variant.
Coding change: c.2687C>T on transcript NM_000264.5 (MANE Select); coding-DNA position 2687, C replaced by T.
Protein change: p.Pro896Leu; replaces proline 896 with leucine.
Molecular consequence: missense variant. On other transcripts: non-coding transcript variant (1).
Genome position (GRCh38, 1-based): chr9:95,461,872, G>A on the plus strand (C>T on the coding strand, the complement: PTCH1 is on the minus strand). VCF-style: chr9-95461872-G-A. GRCh37 (hg19) VCF-style: chr9-98224154-G-A.
Other names: c.2489C>T, p.Pro830Leu (NM_001083602.3); c.2684C>T, p.Pro895Leu (NM_001083603.3); c.2234C>T, p.Pro745Leu (NM_001083604.3, NM_001083605.3, NM_001083606.3 and 1 more transcripts); c.2531C>T, p.Pro844Leu (NM_001354918.2); c.2687C>T (NM_000264.3); short protein forms P745L, P844L, P896L, P830L, P895L.
Identifiers: ClinVar variation 1389411 (VCV001389411.7), dbSNP rs1839503471, ClinGen allele CA374113308.